The following is an entry in ClinVar:

ClinVar aggregate classification (germline): Uncertain significance. Review status: criteria provided, multiple submitters, no conflicts (2 of 4 stars). 2 submissions from 2 submitters: Uncertain significance (2). Last evaluated 2025-11-05.

Conditions:
Inborn genetic diseases. Identifiers: MedGen C0950123, MeSH D030342.

Allele frequency attached by ClinVar (database versions not stated): TOPMed 0.00002.
gnomAD v4.1: 6 of 1,614,118 alleles (0.00037%); highest among the groups gnomAD compares: Admixed American, 0.0033%; no homozygotes.

Submissions (2):

Ambry Genetics
Classification: Uncertain significance for Inborn genetic diseases. Last evaluated: 2025-11-05. Review status: criteria provided, single submitter. Criteria: Ambry Variant Classification Scheme 2023. Collection method: clinical testing. Allele origin: germline.

Labcorp Genetics (formerly Invitae), Labcorp
Classification: Uncertain significance. Last evaluated: 2022-03-14. Review status: criteria provided, single submitter. Criteria: Invitae Variant Classification Sherloc (09022015). Collection method: clinical testing. Allele origin: germline.
Comment: This sequence change replaces aspartic acid, which is acidic and polar, with asparagine, which is neutral and polar, at codon 1513 of the FREM2 protein (p.Asp1513Asn). This variant is not present in population databases (gnomAD no frequency). This variant has not been reported in the literature in individuals affected with FREM2-related conditions. Algorithms developed to predict the effect of missense changes on protein structure and function are either unavailable or do not agree on the potential impact of this missense change (SIFT: "Deleterious"; PolyPhen-2: "Benign"; Align-GVGD: "Class C0"). In summary, the available evidence is currently insufficient to determine the role of this variant in disease. Therefore, it has been classified as a Variant of Uncertain Significance.

NM_207361.6(FREM2):c.4537G>A (p.Asp1513Asn)

Gene: FREM2 (FRAS1 related extracellular matrix 2; plus strand). Cytogenetic location: 13q13.3.
Variant type: single nucleotide variant.
Coding change: c.4537G>A on transcript NM_207361.6 (MANE Select); coding-DNA position 4537, G replaced by A.
Protein change: p.Asp1513Asn; replaces aspartic acid 1513 with asparagine.
Molecular consequence: missense variant.
Genome position (GRCh38, 1-based): chr13:38,691,881, G>A. VCF-style: chr13-38691881-G-A. GRCh37 (hg19) VCF-style: chr13-39266018-G-A.
Other names: c.4537G>A (NM_207361.4); short protein forms D1513N.
Identifiers: ClinVar variation 1982778 (VCV001982778.4), dbSNP rs1486881602, ClinGen allele CA387893349.